The following is an entry in ClinVar:

ClinVar aggregate classification (germline): Uncertain significance (1 of 4 stars; one submission).

Conditions:
ALMS1-related disorder. Also called: ALMS1-related condition.

Submission:

PreventionGenetics, part of Exact Sciences
Classification: Uncertain significance for ALMS1-related condition. Last evaluated: 2026-04-24. Review status: criteria provided, single submitter. Criteria: ACMG Guidelines, 2015. Collection method: clinical testing. Allele origin: germline.
Comment: The ALMS1 c.5410T>C variant is predicted to result in the amino acid substitution p.Ser1804Pro. To our knowledge, this variant has not been reported in the literature or in a large population database (gnomAD), indicating this variant is rare. At this time, the clinical significance of this variant is uncertain due to the absence of conclusive functional and genetic evidence.

NM_001378454.1(ALMS1):c.5407T>C (p.Ser1803Pro)

Gene: ALMS1 (ALMS1 centrosome and basal body associated protein; plus strand). Cytogenetic location: 2p13.1.
Variant type: single nucleotide variant.
Coding change: c.5407T>C on transcript NM_001378454.1 (MANE Select); coding-DNA position 5407, T replaced by C.
Protein change: p.Ser1803Pro; replaces serine 1803 with proline.
Molecular consequence: missense variant.
Genome position (GRCh38, 1-based): chr2:73,451,934, T>C. VCF-style: chr2-73451934-T-C. GRCh37 (hg19) VCF-style: chr2-73679061-T-C.
Other names: c.5410T>C, p.Ser1804Pro (NM_015120.4); short protein forms S1803P, S1804P.
Identifiers: ClinVar variation 4989193 (VCV004989193.1).